The following is an entry in ClinVar:

NM_020431.4(TMEM63C):c.384C>T (p.Asp128=)

Gene: TMEM63C (transmembrane protein 63C; plus strand). Cytogenetic location: 14q24.3.
Variant type: single nucleotide variant.
Coding change: c.384C>T on transcript NM_020431.4 (MANE Select); coding-DNA position 384, C replaced by T.
Protein change: p.Asp128=; no amino-acid change (aspartic acid 128 retained).
Molecular consequence: synonymous variant.
Genome position (GRCh38, 1-based): chr14:77,231,621, C>T. VCF-style: chr14-77231621-C-T. GRCh37 (hg19) VCF-style: chr14-77697964-C-T.
Identifiers: ClinVar variation 5041283 (VCV005041283.1).
Genomic context (GRCh38, chr14:77,231,621, plus strand): 5'-ACGTCCTTGTCTGTGTGTCTCTTCCAGGGACGAGGATCTGATTAACAAGTGTGGGGACGA[C>T]GCGCGCATCTACATCGTGTTCCAGTACCACCTCATCATCTTTGTGCTCATCATCTGTATC-3'
Protein context (NP_065164.2, residues 118-138): DEDLINKCGD[Asp128=]ARIYIVFQYH

ClinVar aggregate classification (germline): Likely benign (1 of 4 stars; one submission).

gnomAD v4.1: 70 of 1,551,488 alleles (0.0045%); highest among the groups gnomAD compares: East Asian, 0.034%; no homozygotes.

Submission:

CeGaT Center for Human Genetics Tuebingen
Classification: Likely benign. Last evaluated: 2026-10-01. Review status: criteria provided, single submitter. Criteria: CeGaT Center For Human Genetics Tuebingen Variant Classification Criteria Version 2. Collection method: clinical testing. Allele origin: germline. Affected: yes. Observed: 1 variant allele.
Comment: TMEM63C: BP4, BP7